The following is an entry in ClinVar:

NM_025179.4(PLXNA2):c.4386C>T (p.Tyr1462=)

Gene: PLXNA2 (plexin A2; minus strand). Cytogenetic location: 1q32.2.
Variant type: single nucleotide variant.
Coding change: c.4386C>T on transcript NM_025179.4 (MANE Select); coding-DNA position 4386, C replaced by T.
Protein change: p.Tyr1462=; no amino-acid change (tyrosine 1462 retained).
Molecular consequence: synonymous variant.
Genome position (GRCh38, 1-based): chr1:208,039,735, G>A on the plus strand (C>T on the coding strand, the complement: PLXNA2 is on the minus strand). VCF-style: chr1-208039735-G-A. GRCh37 (hg19) VCF-style: chr1-208213080-G-A.
Identifiers: ClinVar variation 4995875 (VCV004995875.1).

ClinVar aggregate classification (germline): Likely benign (1 of 4 stars; one submission).

Conditions:
PLXNA2-related disorder. Also called: PLXNA2-related condition.

gnomAD v4.1: 1 of 1,614,182 alleles (0.000062%); highest among the groups gnomAD compares: Non-Finnish European, 0.000085%; no homozygotes.

Submission:

PreventionGenetics, part of Exact Sciences
Classification: Likely benign for PLXNA2-related condition. Last evaluated: 2026-08-11. Review status: criteria provided, single submitter. Criteria: ACMG Guidelines, 2015. Collection method: clinical testing. Allele origin: germline.
Comment: This variant is classified as likely benign based on ACMG/AMP sequence variant interpretation guidelines (Richards et al. 2015 PMID: 25741868, with internal and published modifications).